The following is an entry in ClinVar:

NM_018122.5(DARS2):c.396+312C>T

Gene: DARS2 (aspartyl-tRNA synthetase 2, mitochondrial; plus strand). Cytogenetic location: 1q25.1.
Variant type: single nucleotide variant.
Coding change: c.396+312C>T on transcript NM_018122.5 (MANE Select); 312 bases into the intron after coding-DNA position 396, C replaced by T.
Molecular consequence: intron variant.
Genome position (GRCh38, 1-based): chr1:173,831,073, C>T. VCF-style: chr1-173831073-C-T. GRCh37 (hg19) VCF-style: chr1-173800211-C-T.
Other names: c.396+312C>T (NM_001365212.1, NM_001365213.2).
Identifiers: ClinVar variation 673681 (VCV000673681.1), dbSNP rs12079240, ClinGen allele CA10949008.

ClinVar aggregate classification (germline): Benign (1 of 4 stars; one submission).

Allele frequency attached by ClinVar (database versions not stated): gnomAD 0.06353 and 0.06786; TOPMed 0.07234; 1000 Genomes Project 0.08207; 1000 Genomes Project 30x 0.08510.
gnomAD v4.1: 9,577 of 152,098 alleles (6.3%); highest among the groups gnomAD compares: African/African-American, 21%; 965 homozygotes.

Submission:

GeneDx
Classification: Benign. Last evaluated: 2018-06-16. Review status: criteria provided, single submitter. Criteria: GeneDx Variant Classification (06012015). Collection method: clinical testing. Allele origin: germline. Affected: yes.
Comment: This variant is considered likely benign or benign based on one or more of the following criteria: it is a conservative change, it occurs at a poorly conserved position in the protein, it is predicted to be benign by multiple in silico algorithms, and/or has population frequency not consistent with disease.